The following is an entry in ClinVar:

NM_000124.4(ERCC6):c.1821+2T>A

Gene: ERCC6 (ERCC excision repair 6, chromatin remodeling factor; minus strand). Cytogenetic location: 10q11.23.
Variant type: single nucleotide variant.
Coding change: c.1821+2T>A on transcript NM_000124.4 (MANE Select); the canonical splice donor site of the intron after coding-DNA position 1821, T replaced by A.
Molecular consequence: splice donor variant.
Genome position (GRCh38, 1-based): chr10:49,493,115, A>T on the plus strand (T>A on the coding strand, the complement: ERCC6 is on the minus strand). VCF-style: chr10-49493115-A-T. GRCh37 (hg19) VCF-style: chr10-50701161-A-T.
Other names: c.1821+2T>A (NM_001346440.2).
Identifiers: ClinVar variation 4738110 (VCV004738110.1).

ClinVar aggregate classification (germline): Likely pathogenic (1 of 4 stars; one submission).

Submission:

Labcorp Genetics (formerly Invitae), Labcorp
Classification: Likely pathogenic. Last evaluated: 2025-09-11. Review status: criteria provided, single submitter. Criteria: Invitae Variant Classification Sherloc (09022015). Collection method: clinical testing. Allele origin: germline.
Comment: This sequence change affects a donor splice site in intron 8 of the ERCC6 gene. It is expected to disrupt RNA splicing. Variants that disrupt the donor or acceptor splice site typically lead to a loss of protein function (PMID: 16199547), and loss-of-function variants in ERCC6 are known to be pathogenic (PMID: 18628313, 29572252). This variant is not present in population databases (gnomAD no frequency). This variant has not been reported in the literature in individuals affected with ERCC6-related conditions. Algorithms developed to predict the effect of sequence changes on RNA splicing suggest that this variant may disrupt the consensus splice site. In summary, the currently available evidence indicates that the variant is pathogenic, but additional data are needed to prove that conclusively. Therefore, this variant has been classified as Likely Pathogenic.

Literature cited by the submitters: PubMed 16199547; PubMed 18628313; PubMed 29572252.